The following is an entry in ClinVar:

NM_145207.3(AFG2A):c.983CAA[2] (p.Thr330del)

Gene: AFG2A (AAA ATPase AFG2A; plus strand). Cytogenetic location: 4q28.1.
Variant type: Microsatellite.
Coding change: c.983CAA[2] on transcript NM_145207.3 (MANE Select); two copies in a row of the 3-base unit CAA starting at c.983; the reference has three copies in a row; one copy, 3 bases deleted; also written c.989_991del.
Protein change: p.Thr330del; deletes threonine 330.
Molecular consequence: inframe deletion.
Genome position (GRCh38, 1-based): chr4:122,934,580-122,934,582, CAA deleted; deleting any 3 consecutive bases within chr4:122,934,574-122,934,582 gives the same sequence; the position shown is the placement nearest the transcript's 3' end. VCF-style (leftmost placement, unchanged base first): chr4-122934573-TCAA-T. GRCh37 (hg19) VCF-style: chr4-123855728-TCAA-T.
Other names: c.989_991del (NM_145207.3, NM_145207.2); c.980CAA[2], p.Thr329del (NM_001317799.2, NM_001345856.2); c.989_991delCAA (NM_145207.3); short protein forms T330del, T329del.
Identifiers: ClinVar variation 207828 (VCV000207828.74), dbSNP rs796052243, ClinGen allele CA248379.
Genomic context (GRCh38, chr4:122,934,573, plus strand): 5'-AGACTGCTAAAGTTCAGCATAGGAGCAAAGTGCAATACTGATACTTTTTATTTTATTTCT[TCAA>T]CAACAAGAGTCAATTTTACAGAGATTGATAAAAATTCAAAAGAGCAAGACAACCAATTCA-3'

ClinVar aggregate classification (germline): Pathogenic/Likely pathogenic. Review status: criteria provided, multiple submitters, no conflicts (2 of 4 stars). 23 submissions from 22 submitters: Pathogenic (9); Likely pathogenic (9). 5 of the submissions do not count toward it. Last evaluated 2026-06-29.

Conditions:
Microcephaly-intellectual disability-sensorineural hearing loss-epilepsy-abnormal muscle tone syndrome (NEDHSB). Also called: NEURODEVELOPMENTAL DISORDER WITH HEARING LOSS, SEIZURES, AND BRAIN ABNORMALITIES. Identifiers: Orphanet 457351, MedGen C4225276, MONDO:0014698, OMIM 616577.
SPATA5-related disorder.

Submissions 1 to 11 of 23:

Laboratory of Medical Genetics, University of Torino
Classification: Likely pathogenic for Microcephaly-intellectual disability-sensorineural hearing loss-epilepsy-abnormal muscle tone syndrome. Last evaluated: 2026-06-29. Review status: criteria provided, single submitter. Criteria: ACMG Guidelines, 2015. Collection method: clinical testing. Allele origin: paternal. Affected: yes.

Labcorp Genetics (formerly Invitae), Labcorp
Classification: Pathogenic for Microcephaly-intellectual disability-sensorineural hearing loss-epilepsy-abnormal muscle tone syndrome. Last evaluated: 2026-01-26. Review status: criteria provided, single submitter. Criteria: Invitae Variant Classification Sherloc (09022015). Collection method: clinical testing. Allele origin: germline.
Comment: This variant, c.989_991del, results in the deletion of 1 amino acid(s) of the SPATA5 protein (p.Thr330del), but otherwise preserves the integrity of the reading frame. This variant is present in population databases (rs748291365, gnomAD 0.02%), including at least one homozygous and/or hemizygous individual. This variant has been observed in individual(s) with epilepsy, hearing loss, and intellectual disability syndrome (PMID: 26299366, 27246907, 27683084, 28293831). In at least one individual the data is consistent with being in trans (on the opposite chromosome) from a pathogenic variant. It has also been observed to segregate with disease in related individuals. ClinVar contains an entry for this variant (Variation ID: 207828). Experimental studies and prediction algorithms are not available or were not evaluated, and the functional significance of this variant is currently unknown. For these reasons, this variant has been classified as Pathogenic.

Centre for Clinical Genetics and Genomic Diagnostics, Zealand University Hospital
Classification: Pathogenic. Last evaluated: 2025-06-02. Review status: criteria provided, single submitter. Criteria: ACMG Guidelines, 2015. Collection method: clinical testing. Allele origin: germline. Affected: yes.

Women's Health and Genetics/Laboratory Corporation of America, LabCorp
Classification: Pathogenic for Microcephaly-intellectual disability-sensorineural hearing loss-epilepsy-abnormal muscle tone syndrome. Last evaluated: 2024-12-30. Review status: criteria provided, single submitter. Criteria: LabCorp Variant Classification Summary - May 2015. Collection method: clinical testing. Allele origin: germline.
Comment: Variant summary: AFG2A c.989_991delCAA (p.Thr330del) results in an in-frame deletion that is predicted to remove one amino acids from the encoded protein. The variant allele was found at a frequency of 0.00011 in 281030 control chromosomes in the gnomAD database, including 1 homozygotes. This frequency is not significantly higher than estimated for a pathogenic variant in AFG2A causing Epilepsy, Hearing Loss, And Mental Retardation Syndrome, allowing no conclusion about variant significance. c.989_991delCAA has been reported in the literature in multiple individuals affected with Epilepsy, Hearing Loss, And Mental Retardation Syndrome (example: Puusepp_2018, Papuc_2019, Braun_2021). These data indicate that the variant is very likely to be associated with disease. To our knowledge, no experimental evidence demonstrating an impact on protein function has been reported. The following publications have been ascertained in the context of this evaluation (PMID: 29343804, 30552426, 34360601). ClinVar contains an entry for this variant (Variation ID: 207828). Based on the evidence outlined above, the variant was classified as pathogenic.

Blueprint Genetics
Classification: Pathogenic for SPATA5-related disorders. Last evaluated: 2024-10-14. Review status: criteria provided, single submitter. Criteria: ACMG Guidelines, 2015. Collection method: clinical testing. Allele origin: germline. Affected: yes. Observed: 5 variant alleles.

GeneDx
Classification: Pathogenic. Last evaluated: 2024-05-01. Review status: criteria provided, single submitter. Criteria: GeneDx Variant Classification Process June 2021. Collection method: clinical testing. Allele origin: germline. Affected: yes.
Comment: In-frame deletion of one amino acid in a non-repeat region; In silico analysis supports a deleterious effect on protein structure/function; This variant is associated with the following publications: (PMID: 26299366, 28293831, 27246907, 27683084, 29343804, 21822266, 30577886, 30552426, 30009132, 34426522, 33176815, 34360601, 31440721, 33177673, 38008000)

Genomic Medicine Center of Excellence, King Faisal Specialist Hospital and Research Centre
Classification: Likely pathogenic for Microcephaly-intellectual disability-sensorineural hearing loss-epilepsy-abnormal muscle tone syndrome. Last evaluated: 2024-03-29. Review status: criteria provided, single submitter. Criteria: ACMG Guidelines, 2015. Collection method: clinical testing. Allele origin: germline.

Clinical Genomics Laboratory, Stanford Medicine
Classification: Pathogenic for Microcephaly-intellectual disability-sensorineural hearing loss-epilepsy-abnormal muscle tone syndrome. Last evaluated: 2022-09-13. Review status: criteria provided, single submitter. Criteria: ACMG Guidelines, 2015. Collection method: clinical testing. Allele origin: germline. Inheritance: Autosomal recessive inheritance. Observed: 1 variant allele, 1 heterozygote.
Comment: The p.Thr330del variant in the SPATA5 gene has been previously reported in the compound heterozygous or homozygous state in at least 10 unrelated individuals with SPATA5-associated neurodevelopmental disorder and has segregated with disease in at least affected 3 individuals from 3 families (Xu et al., 2011; Tanaka et al., 2015; Buchert et al., 2016; Kurata et al., 2016; Szczaluba et al., 2017; Puusepp et al., 2018; Papuc et al., 2019; Rosello et al., 2021). This variant has been identified in 30/128,340 European non-Finnish chromosomes (31/281,030 chromosomes overall), including 1 homozygous occurrence, by the Genome Aggregation Database. This variant is present in ClinVar (VCV000207828.57). This variant results in an in-frame deletion of 1 evolutionarily conserved amino acid. While the reading frame is preserved, this variant is expected to alter the length of the SPATA5 protein. A functional study of the p.Thr330del variant suggested that this variant disrupts ribosome assembly (Ni et al., 2022). These data were assessed using the ACMG/AMP variant interpretation guidelines. In summary, there is sufficient evidence to classify the p.Thr330del variant as pathogenic for autosomal recessive SPATA5-associated neurodevelopmental disorder based on the information above. [ACMG evidence codes used: PM3_Very Strong; PP1_Moderate; PM4_Supporting]

Victorian Clinical Genetics Services, Murdoch Childrens Research Institute
Classification: Pathogenic for Microcephaly-intellectual disability-sensorineural hearing loss-epilepsy-abnormal muscle tone syndrome. Last evaluated: 2022-03-31. Review status: criteria provided, single submitter. Criteria: ACMG Guidelines, 2015. Collection method: clinical testing. Allele origin: germline. Inheritance: Autosomal recessive inheritance. Affected: yes.
Comment: Based on the classification scheme VCGS_Germline_v1.3.4, this variant is classified as Pathogenic. Following criteria are met: 0102 - Loss of function is a known mechanism of disease in this gene and is associated with neurodevelopmental disorder with hearing loss, seizures, and brain abnormalities (MIM#616577). (I) 0106 - This gene is associated with autosomal recessive disease. (I) 0213 - In-frame insertion/deletion in a non-repetitive region that has high conservation. (SP) 0251 - This variant is heterozygous. (I) 0304 - Variant is present in gnomAD <0.01 for a recessive condition (v2: 29 heterozygotes, 1 homozygote). (SP) 0309 - Alternative amino acid changes at the same position have been observed in gnomAD (p.(Thr330Ala) - v2: 1 heterozygote, 0 homozygotes; p.(Thr330Arg) - v3: 1 heterozygote, 0 homozygotes). (I) 0604 - Variant is not located in an established domain, motif, hotspot or informative constraint region. (I) 0801 - This variant has strong previous evidence of pathogenicity in unrelated individuals. It has been reported in many affected individuals (PMIDs: 29343804, 34360601) and as pathogenic/likely pathogenic many times in ClinVar. (SP) 1208 - Inheritance information for this variant is not currently available in this individual. (I) Legend: (SP) - Supporting pathogenic, (I) - Information, (SB) - Supporting benign

MGZ Medical Genetics Center
Classification: Likely pathogenic for Microcephaly-intellectual disability-sensorineural hearing loss-epilepsy-abnormal muscle tone syndrome. Last evaluated: 2022-03-07. Review status: criteria provided, single submitter. Criteria: ACMG Guidelines, 2015. Collection method: clinical testing. Allele origin: germline. Affected: yes. Observed: 1 variant allele.
Comment: ACMG criteria applied: PS4, PM3, PM5

Institute of Human Genetics, University of Leipzig Medical Center
Classification: Likely pathogenic for Microcephaly-intellectual disability-sensorineural hearing loss-epilepsy-abnormal muscle tone syndrome. Last evaluated: 2022-02-17. Review status: criteria provided, single submitter. Criteria: ACMG Guidelines, 2015. Collection method: clinical testing. Allele origin: unknown. Affected: yes.
Comment: This variant was identified as compound heterozygous with NM_145207.3:c.2166_2176del._x000D_ Criteria applied: PM3_VSTR, PM4